The following is an entry in ClinVar:

NM_001164508.2(NEB):c.13734del (p.Asp4580fs)

Gene: NEB (nebulin; minus strand). Cytogenetic location: 2q23.3.
Variant type: Deletion.
Coding change: c.13734del on transcript NM_001164508.2 (MANE Select); coding-DNA position 13734, one base deleted (T; older notation c.13734delT).
Protein change: p.Asp4580fs; shifts the reading frame from aspartic acid 4580.
Molecular consequence: frameshift variant. On other transcripts: intron variant (1).
Genome position (GRCh38, 1-based): chr2:151,600,496, A deleted on the plus strand (T on the coding strand, the reverse complement: NEB is on the minus strand); the first of 3 consecutive A bases (chr2:151,600,496-151,600,498); deleting any one gives the same sequence. VCF-style (leftmost placement, unchanged base first): chr2-151600495-GA-G. GRCh37 (hg19) VCF-style: chr2-152457009-GA-G.
Other names: c.13734del, p.Asp4580fs (NM_001164507.2, NM_001271208.2); c.11601+9313del (NM_004543.5); short protein forms D4580fs.
Identifiers: ClinVar variation 2878146 (VCV002878146.3), dbSNP rs2552219759, ClinGen allele CA2739271364.

ClinVar aggregate classification (germline): Pathogenic (1 of 4 stars; one submission).

Conditions:
Nemaline myopathy 2 (NEM2). Also called: Nemaline myopathy 2, autosomal recessive. Identifiers: MedGen C1850569, MONDO:0009725, OMIM 256030.

Submission:

Labcorp Genetics (formerly Invitae), Labcorp
Classification: Pathogenic for Nemaline myopathy 2. Last evaluated: 2023-12-06. Review status: criteria provided, single submitter. Criteria: Invitae Variant Classification Sherloc (09022015). Collection method: clinical testing. Allele origin: germline.
Comment: This variant occurs in a region of NEB (Exons 82-105) consisting of three highly homologous 8-exon repeat units (exons 82-89, exons 90-97, exons 98-105). Sequence variants in this region can be detected, but this assay cannot determine which of the three repeat units is affected, and zygosity is often ambiguous. All variants in this region are reported relative to the exon 82-89 repeat. This sequence change creates a premature translational stop signal (p.Asp4580Thrfs*5) in the NEB gene. It is expected to result in an absent or disrupted protein product. Loss-of-function variants in NEB are known to be pathogenic (PMID: 25205138). The frequency data for this variant in the population databases (gnomAD) is considered unreliable due to the presence of homologous sequence, such as pseudogenes or paralogs, in the genome. This variant has not been reported in the literature in individuals affected with NEB-related conditions. For these reasons, this variant has been classified as Pathogenic.

Literature cited by the submitters: PubMed 25205138.